The following is an entry in ClinVar:

NM_000448.3(RAG1):c.2545A>G (p.Ile849Val)

Gene: RAG1 (recombination activating 1; plus strand). Cytogenetic location: 11p12.
Variant type: single nucleotide variant.
Coding change: c.2545A>G on transcript NM_000448.3 (MANE Select); coding-DNA position 2545, A replaced by G.
Protein change: p.Ile849Val; replaces isoleucine 849 with valine.
Molecular consequence: missense variant.
Genome position (GRCh38, 1-based): chr11:36,575,849, A>G. VCF-style: chr11-36575849-A-G. GRCh37 (hg19) VCF-style: chr11-36597399-A-G.
Other names: c.2545A>G, p.Ile849Val (NM_001377277.1, NM_001377278.1, NM_001377279.1 and 1 more transcripts); short protein forms I849V.
Identifiers: ClinVar variation 2009962 (VCV002009962.1), dbSNP rs1850840204, ClinGen allele CA380154956.

ClinVar aggregate classification (germline): Uncertain significance (1 of 4 stars; one submission).

Conditions:
Severe combined immunodeficiency, autosomal recessive, T cell-negative, B cell-negative, NK cell-positive. Also called: SCID, T CELL-NEGATIVE, B CELL-NEGATIVE, NK CELL-POSITIVE; SCID, AR, T-cell negative, B-cell negative, NK cell-positive; Severe combined immunodeficiency due to complete RAG1/2 deficiency. Identifiers: Orphanet 331206, MedGen C1832322, MONDO:0011086, OMIM 601457.
Combined immunodeficiency with skin granulomas. Identifiers: Orphanet 157949, MedGen C2673536, MONDO:0009306, OMIM 233650.

Allele frequency attached by ClinVar (database versions not stated): TOPMed below 0.00001; gnomAD 0.00001.
gnomAD v4.1: 3 of 1,614,122 alleles (0.00019%); highest among the groups gnomAD compares: Admixed American, 0.0033%; no homozygotes.

Submission:

Labcorp Genetics (formerly Invitae), Labcorp
Classification: Uncertain significance for Combined immunodeficiency with skin granulomas; Severe combined immunodeficiency, autosomal recessive, T cell-negative, B cell-negative, NK cell-positive. Last evaluated: 2022-06-23. Review status: criteria provided, single submitter. Criteria: Invitae Variant Classification Sherloc (09022015). Collection method: clinical testing. Allele origin: germline.
Comment: This sequence change replaces isoleucine, which is neutral and non-polar, with valine, which is neutral and non-polar, at codon 849 of the RAG1 protein (p.Ile849Val). This variant is not present in population databases (gnomAD no frequency). This variant has not been reported in the literature in individuals affected with RAG1-related conditions. Advanced modeling of protein sequence and biophysical properties (such as structural, functional, and spatial information, amino acid conservation, physicochemical variation, residue mobility, and thermodynamic stability) performed at Invitae indicates that this missense variant is not expected to disrupt RAG1 protein function. In summary, the available evidence is currently insufficient to determine the role of this variant in disease. Therefore, it has been classified as a Variant of Uncertain Significance.